The following is an entry in ClinVar:

ClinVar aggregate classification (germline): Uncertain significance. Review status: criteria provided, multiple submitters, no conflicts (2 of 4 stars). 2 submissions from 2 submitters: Uncertain significance (2). Last evaluated 2025-07-09.

Conditions:
Hereditary breast ovarian cancer syndrome. Also called: Hereditary breast and ovarian cancer; BRCA1- and BRCA2-Associated Hereditary Breast and Ovarian Cancer; Hereditary breast and ovarian cancer syndrome (HBOC); Hereditary breast and ovarian cancer syndrome; Breast and ovarian cancer; Hereditary breast and/or ovarian cancer syndrome. Identifiers: Orphanet 145, MedGen C0677776, MeSH D061325, MONDO:0003582. Disease mechanism: loss of function.
Fanconi anemia complementation group O. Also called: RAD51C-Related Fanconi Anemia. Identifiers: Orphanet 84, MedGen C3150653, MONDO:0013248, OMIM 613390.
Breast-ovarian cancer, familial, susceptibility to, 3. Also called: RAD51C-Related Breast/Ovarian Cancer. Identifiers: Orphanet 145, MedGen C3150659, MONDO:0013253, OMIM 613399.

Submissions (2):

German Consortium for Hereditary Breast and Ovarian Cancer, University Hospital Cologne
Classification: Uncertain significance for Hereditary breast ovarian cancer syndrome. Last evaluated: 2025-07-09. Review status: criteria provided, single submitter. Criteria: ACMG Guidelines, 2015. Collection method: curation. Allele origin: germline.
Comment: This classification follows the ACMG SVI adaptation classification scheme; We chose these criteria: PVS1 (medium pathogenic): Olvera-Leon et al, Cell 2024: p.Asp348TyrfsTer44: fast depleted; p.Thr349LeufsTer15: slow depleted; p.Val350LeufsTer14: unchanged; p.Ser353HisfsTer8: unchanged, PM2 (supporting pathogenic): absent from gnomAD v2/3/4

Fulgent Genetics
Classification: Uncertain significance for Fanconi anemia complementation group O; Breast-ovarian cancer, familial, susceptibility to, 3. Last evaluated: 2024-03-18. Review status: criteria provided, single submitter. Criteria: ACMG Guidelines, 2015. Collection method: clinical testing. Allele origin: germline.

NM_058216.3(RAD51C):c.1045dup (p.Thr349fs)

Gene: RAD51C (RAD51 paralog C; plus strand). Cytogenetic location: 17q22.
Variant type: Duplication.
Coding change: c.1045dup on transcript NM_058216.3 (MANE Select); coding-DNA position 1045, one base duplicated (A; older notation c.1045dupA).
Protein change: p.Thr349fs; shifts the reading frame from threonine 349.
Molecular consequence: frameshift variant. On other transcripts: non-coding transcript variant (1).
Genome position (GRCh38, 1-based): chr17:58,734,136, A duplicated. VCF-style (leftmost placement, unchanged base first): chr17-58734135-T-TA. GRCh37 (hg19) VCF-style: chr17-56811496-T-TA.
Other names: short protein forms T349fs.
Identifiers: ClinVar variation 3582386 (VCV003582386.2).
Genomic context (GRCh38, chr17:58,734,135, plus strand): 5'-ATGTTCTTAAAGCATATTTGTATATATATTTTTTATCTTTCAGCCTCAGGGATTTAGAGA[T>TA]ACTGTTGTTACTTCTGCATGTTCATTGCAAACAGAAGGTTCCTTGAGCACCCGGAAACGG-3'